The following is an entry in ClinVar:

NM_001267550.2(TTN):c.103155_103156del (p.Arg34385fs)

Genes: TTN-AS1 (TTN antisense RNA 1; plus strand), TTN (titin; minus strand). Cytogenetic location: 2q31.2.
Variant type: Microsatellite.
Coding change: c.103155_103156del on transcript NM_001267550.2 (MANE Select); coding-DNA positions 103155 to 103156, 2 bases deleted (AG; older notation c.103155_103156delAG).
Protein change: p.Arg34385fs; shifts the reading frame from arginine 34385.
Molecular consequence: frameshift variant.
Genome position (GRCh38, 1-based): chr2:178,533,459-178,533,460, CT deleted on the plus strand (AG on the coding strand, the reverse complement: TTN is on the minus strand); deleting any 2 consecutive bases within chr2:178,533,459-178,533,462 gives the same sequence; the c. name uses the placement nearest the transcript's 3' end. VCF-style (leftmost placement, unchanged base first): chr2-178533458-ACT-A. GRCh37 (hg19) VCF-style: chr2-179398185-ACT-A.
Other names: c.103155_103156delAG (NM_001267550.2); c.98232_98233del, p.Arg32744fs (NM_001256850.1); c.75960_75961del, p.Arg25320fs (NM_003319.4); c.95451_95452del, p.Arg31817fs (NM_133378.4); c.76335_76336del, p.Arg25445fs (NM_133432.3); c.76536_76537del, p.Arg25512fs (NM_133437.4); short protein forms R32744fs, R25320fs, R31817fs, R34385fs, R25445fs, R25512fs.
Identifiers: ClinVar variation 647517 (VCV000647517.9), dbSNP rs1575265345, ClinGen allele CA915942138.

ClinVar aggregate classification (germline): Likely pathogenic (1 of 4 stars; one submission).

Conditions:
Dilated cardiomyopathy 1G (CMD1G). Identifiers: Orphanet 154, MedGen C1858763, MONDO:0011400, OMIM 604145.
Autosomal recessive limb-girdle muscular dystrophy type 2J (LGMDR10). Also called: Limb-girdle muscular dystrophy, type 2J; MUSCULAR DYSTROPHY, LIMB-GIRDLE, AUTOSOMAL RECESSIVE 10. Identifiers: Orphanet 140922, MedGen C1837342, MONDO:0012127, OMIM 608807.

Submission:

Labcorp Genetics (formerly Invitae), Labcorp
Classification: Likely pathogenic for Dilated cardiomyopathy 1G; Autosomal recessive limb-girdle muscular dystrophy type 2J. Last evaluated: 2023-12-06. Review status: criteria provided, single submitter. Criteria: Invitae Variant Classification Sherloc (09022015). Collection method: clinical testing. Allele origin: germline.
Comment: This sequence change creates a premature translational stop signal (p.Arg34385Serfs*23) in the TTN gene. While this is not anticipated to result in nonsense mediated decay, it is expected to create a truncated TTN protein. This variant is not present in population databases (gnomAD no frequency). This variant has not been reported in the literature in individuals affected with TTN-related conditions. ClinVar contains an entry for this variant (Variation ID: 647517). This variant is located in the M band of TTN (PMID: 25589632). Truncating variants in this region have been previously reported in individuals affected with autosomal recessive myopathy and muscular dystrophy (PMID: 18948003, 23975875, 24395473). Truncating variants in this region have also been identified in individuals affected with autosomal dominant dilated cardiomyopathy and/or cardio-related conditions (PMID: 27869827, 32964742). In summary, the currently available evidence indicates that the variant is pathogenic, but additional data are needed to prove that conclusively. Therefore, this variant has been classified as Likely Pathogenic.

Literature cited by the submitters: PubMed 25589632; PubMed 18948003; PubMed 23975875; PubMed 24395473; PubMed 27869827; PubMed 32964742.